The following is an entry in ClinVar:

NM_000260.4(MYO7A):c.3172C>T (p.His1058Tyr)

Gene: MYO7A (myosin VIIA; plus strand). Cytogenetic location: 11q13.5.
Variant type: single nucleotide variant.
Coding change: c.3172C>T on transcript NM_000260.4 (MANE Select); coding-DNA position 3172, C replaced by T.
Protein change: p.His1058Tyr; replaces histidine 1058 with tyrosine.
Molecular consequence: missense variant.
Genome position (GRCh38, 1-based): chr11:77,182,487, C>T. VCF-style: chr11-77182487-C-T. GRCh37 (hg19) VCF-style: chr11-76893532-C-T.
Other names: c.3172C>T, p.His1058Tyr (NM_001127180.2); c.3139C>T, p.His1047Tyr (NM_001369365.1); short protein forms H1058Y, H1047Y.
Identifiers: ClinVar variation 1491682 (VCV001491682.8), dbSNP rs2135498756, ClinGen allele CA381944732.

ClinVar aggregate classification (germline): Uncertain significance (1 of 4 stars; one submission).

Submission:

Labcorp Genetics (formerly Invitae), Labcorp
Classification: Uncertain significance. Last evaluated: 2022-08-23. Review status: criteria provided, single submitter. Criteria: Invitae Variant Classification Sherloc (09022015). Collection method: clinical testing. Allele origin: germline.
Comment: In summary, the available evidence is currently insufficient to determine the role of this variant in disease. Therefore, it has been classified as a Variant of Uncertain Significance. Advanced modeling of protein sequence and biophysical properties (such as structural, functional, and spatial information, amino acid conservation, physicochemical variation, residue mobility, and thermodynamic stability) performed at Invitae indicates that this missense variant is not expected to disrupt MYO7A protein function. ClinVar contains an entry for this variant (Variation ID: 1491682). This variant has not been reported in the literature in individuals affected with MYO7A-related conditions. This variant is not present in population databases (gnomAD no frequency). This sequence change replaces histidine, which is basic and polar, with tyrosine, which is neutral and polar, at codon 1058 of the MYO7A protein (p.His1058Tyr).